The following is an entry in ClinVar:

NM_001382289.1(FSHB):c.236_237del (p.Val79fs)

Genes: ARL14EP-DT (ARL14EP divergent transcript; minus strand), FSHB (follicle stimulating hormone subunit beta; plus strand). Cytogenetic location: 11p14.1.
Variant type: Deletion.
Coding change: c.236_237del on transcript NM_001382289.1 (MANE Select); coding-DNA positions 236 to 237, 2 bases deleted (TG; older notation c.236_237delTG).
Protein change: p.Val79fs; shifts the reading frame from valine 79.
Molecular consequence: frameshift variant.
Genome position (GRCh38, 1-based): chr11:30,233,646-30,233,647, TG deleted; deleting any 2 consecutive bases within chr11:30,233,645-30,233,647 gives the same sequence; the c. name uses the placement nearest the transcript's 3' end. VCF-style (leftmost placement, unchanged base first): chr11-30233644-AGT-A. GRCh37 (hg19) VCF-style: chr11-30255191-AGT-A.
Other names: c.236_237del, p.Val79fs (NM_000510.4, NM_001018080.3); c.236_237delTG (NM_000510.2); short protein forms V79fs.
Identifiers: ClinVar variation 16240 (VCV000016240.10), dbSNP rs5030646, ClinGen allele CA212966.

ClinVar aggregate classification (germline): Pathogenic/Likely pathogenic. Review status: criteria provided, multiple submitters, no conflicts (2 of 4 stars). 4 submissions from 4 submitters: Pathogenic (2); Likely pathogenic (1). 1 of the submissions does not count toward it. Last evaluated 2019-06-03.

Conditions:
Hypogonadotropic hypogonadism 24 without anosmia (HH24). Also called: Follicle-stimulating hormone deficiency, isolated; HYPOGONADOTROPIC HYPOGONADISM 24 WITH OR WITHOUT ANOSMIA. Identifiers: Orphanet 52901, MedGen C5574957, MONDO:0009239, OMIM 229070.

Submissions (4):

GeneDx
Classification: Likely pathogenic. Last evaluated: 2019-06-03. Review status: criteria provided, single submitter. Criteria: GeneDx Variant Classification Process June 2021. Collection method: clinical testing. Allele origin: germline. Affected: yes.
Comment: Frameshift variant in the C-terminus predicted to result in protein truncation, as the last 51 amino acids are lost and replaced with 26 incorrect amino acids (Stenson et al., 2014); This variant is associated with the following publications: (PMID: 9624193, 8220432, 20488225, 9271483)

Illumina Laboratory Services, Illumina
Classification: Pathogenic for Hypogonadotropic hypogonadism 24 without anosmia. Last evaluated: 2018-08-14. Review status: criteria provided, single submitter. Criteria: ICSL Variant Classification Criteria 09 May 2019. Collection method: clinical testing. Allele origin: germline.
Comment: The FSHB c.236_237delTG (p.Val79GlufsTer27) variant is a frameshift variant predicted to result in premature truncation of the protein. The p.Val79GlufsTer27 variant is reported in four studies in which it is found in a total of four individuals affected with follicle-stimulating hormone (FSH) deficiency, including in three in a homozygous state (Matthews et al. 1993; Matthews et al. 1997; Phillip et al. 1998) and in one in a compound heterozygous state (Layman et al. 1997). The p.Val79GlufsTer27 variant is also reported to be present in six unaffected family members in a heterozygous state (Matthews et al. 1993; Layman et al. 1997; Phillip et al. 1998). The variant is absent from 34 controls (Layman et al. 1997) but is reported at a frequency of 0.00224 in the Ashkenazi Jewish population of the Genome Aggregation Database. Transfection of the p.Val79GlufsTer27 variant into CHO cells, showed no expression of FSH (Layman et al. 1997). The predicted truncation eliminates the last five cysteine residues of the protein, which are believed to be important for dimer stabilization. Based on collective evidence, the p.Val79GlufsTer27 variant is classified as pathogenic for isolated follicle-stimulating hormone deficiency. This variant was observed by ICSL as part of a predisposition screen in an ostensibly healthy population.

Genetic Services Laboratory, University of Chicago
Classification: Pathogenic. Last evaluated: 2018-08-07. Review status: criteria provided, single submitter. Criteria: ACMG Guidelines, 2015. Collection method: clinical testing. Allele origin: germline. Affected: yes.
Comment: DNA sequence analysis of the FSHB gene demonstrated a two base pair deletion in exon 3, c.236_237del. This pathogenic sequence change results in an amino acid frameshift and creates a premature stop codon 26 amino acids downstream of the mutation, p.Val79Glufs*27. This pathogenic sequence change is predicted to result in an abnormal transcript, which may be degraded, or may lead to the production of a truncated FSHB protein with potentially abnormal function. This variant is also reported to occur in the compound heterozygous state with a pathogenic missense variant in another patient with similar features (PMID: 9271483).

OMIM
Classification: Pathogenic for HYPOGONADOTROPIC HYPOGONADISM 24 WITHOUT ANOSMIA. Last evaluated: 2010-11-25. Review status: no assertion criteria provided. Collection method: literature only. Allele origin: germline. Not counted in ClinVar's aggregate classification.

Literature cited by the submitters: PubMed 9624193 (cited by Illumina Laboratory Services, Illumina and OMIM); PubMed 9280841 (cited by Illumina Laboratory Services, Illumina and OMIM); PubMed 8220432 (cited by Illumina Laboratory Services, Illumina and OMIM); PubMed 9271483 (cited by Illumina Laboratory Services, Illumina and OMIM); PubMed 4344039 (cited by OMIM); PubMed 20488225 (cited by OMIM).